The following is an entry in ClinVar:

NM_005051.3(QARS1):c.2T>C (p.Met1Thr)

Gene: QARS1 (glutaminyl-tRNA synthetase 1; minus strand). Cytogenetic location: 3p21.31.
Variant type: single nucleotide variant.
Coding change: c.2T>C on transcript NM_005051.3 (MANE Select); coding-DNA position 2, T replaced by C.
Protein change: p.Met1Thr; changes the start codon (methionine 1).
Molecular consequence: missense variant, initiator codon variant. On other transcripts: non-coding transcript variant (1).
Genome position (GRCh38, 1-based): chr3:49,104,732, A>G on the plus strand (T>C on the coding strand, the complement: QARS1 is on the minus strand). VCF-style: chr3-49104732-A-G. GRCh37 (hg19) VCF-style: chr3-49142165-A-G.
Other names: c.2T>C, p.Met1Thr (NM_001272073.2); short protein forms M1T.
Identifiers: ClinVar variation 958755 (VCV000958755.7), dbSNP rs2042518770, ClinGen allele CA352724530.

ClinVar aggregate classification (germline): Pathogenic (1 of 4 stars; one submission).

Conditions:
Diffuse cerebral and cerebellar atrophy - intractable seizures - progressive microcephaly syndrome. Also called: Microcephaly, progressive, with seizures and cerebral and cerebellar atrophy. Identifiers: Orphanet 404437, MedGen C4014239, MONDO:0014335, OMIM 615760.

Submission:

Labcorp Genetics (formerly Invitae), Labcorp
Classification: Pathogenic for Diffuse cerebral and cerebellar atrophy - intractable seizures - progressive microcephaly syndrome. Last evaluated: 2022-10-28. Review status: criteria provided, single submitter. Criteria: Invitae Variant Classification Sherloc (09022015). Collection method: clinical testing. Allele origin: germline.
Comment: For these reasons, this variant has been classified as Pathogenic. This variant disrupts a region of the QARS protein in which other variant(s) (p.Gly45Val) have been determined to be pathogenic (PMID: 24656866, 26869582). This suggests that this is a clinically significant region of the protein, and that variants that disrupt it are likely to be disease-causing. ClinVar contains an entry for this variant (Variation ID: 958755). This variant has not been reported in the literature in individuals affected with QARS-related conditions. This variant is not present in population databases (gnomAD no frequency). This sequence change affects the initiator methionine of the QARS mRNA. The next in-frame methionine is located at codon 146.

Literature cited by the submitters: PubMed 24656866; PubMed 26869582.